The following is an entry in ClinVar:

NM_013436.5(NCKAP1):c.2894C>T (p.Ala965Val)

Gene: NCKAP1 (NCK associated protein 1; minus strand). Cytogenetic location: 2q32.1.
Variant type: single nucleotide variant.
Coding change: c.2894C>T on transcript NM_013436.5 (MANE Select); coding-DNA position 2894, C replaced by T.
Protein change: p.Ala965Val; replaces alanine 965 with valine.
Molecular consequence: missense variant.
Genome position (GRCh38, 1-based): chr2:182,930,754, G>A on the plus strand (C>T on the coding strand, the complement: NCKAP1 is on the minus strand). VCF-style: chr2-182930754-G-A. GRCh37 (hg19) VCF-style: chr2-183795482-G-A.
Other names: c.2912C>T, p.Ala971Val (NM_205842.3); short protein forms A965V, A971V.
Identifiers: ClinVar variation 1712147 (VCV001712147.2), dbSNP rs2468543438, ClinGen allele CA349755102.

ClinVar aggregate classification (germline): Uncertain significance (1 of 4 stars; one submission).

Submission:

GeneDx
Classification: Uncertain significance. Last evaluated: 2022-04-19. Review status: criteria provided, single submitter. Criteria: GeneDx Variant Classification Process June 2021. Collection method: clinical testing. Allele origin: germline. Affected: yes.
Comment: Not observed at significant frequency in large population cohorts (gnomAD); In silico analysis supports that this missense variant has a deleterious effect on protein structure/function; Has not been previously published as pathogenic or benign to our knowledge